The following is an entry in ClinVar:

NM_000426.4(LAMA2):c.5181A>C (p.Glu1727Asp)

Gene: LAMA2 (laminin subunit alpha 2; plus strand). Cytogenetic location: 6q22.33.
Variant type: single nucleotide variant.
Coding change: c.5181A>C on transcript NM_000426.4 (MANE Select); coding-DNA position 5181, A replaced by C.
Protein change: p.Glu1727Asp; replaces glutamic acid 1727 with aspartic acid.
Molecular consequence: missense variant.
Genome position (GRCh38, 1-based): chr6:129,391,600, A>C. VCF-style: chr6-129391600-A-C. GRCh37 (hg19) VCF-style: chr6-129712745-A-C.
Other names: c.5181A>C, p.Glu1727Asp (NM_001079823.2); short protein forms E1727D.
Identifiers: ClinVar variation 1028254 (VCV001028254.4), dbSNP rs1779325827, ClinGen allele CA365614206.

ClinVar aggregate classification (germline): Uncertain significance. Review status: criteria provided, multiple submitters, no conflicts (2 of 4 stars). 2 submissions from 2 submitters: Uncertain significance (2). Last evaluated 2024-01-17.

Conditions:
Merosin deficient congenital muscular dystrophy (MDC1A). Also called: Congenital Muscular Dystrophy Type 1A (MDC1A); Congenital merosin-deficient muscular dystrophy 1A. Identifiers: Orphanet 258, MedGen C1263858, MONDO:0011925, OMIM 607855.

Allele frequency attached by ClinVar (database versions not stated): gnomAD exomes below 0.00001.
gnomAD v4.1: 5 of 1,613,968 alleles (0.00031%); highest among the groups gnomAD compares: African/African-American, 0.0027%; no homozygotes.

Submissions (2):

Revvity Omics, Revvity
Classification: Uncertain significance. Last evaluated: 2024-01-17. Review status: criteria provided, single submitter. Criteria: ACMG Guidelines, 2015. Collection method: clinical testing. Allele origin: germline.

Baylor Genetics
Classification: Uncertain significance for Merosin deficient congenital muscular dystrophy. Last evaluated: 2020-06-03. Review status: criteria provided, single submitter. Criteria: ACMG Guidelines, 2015. Collection method: clinical testing. Allele origin: unknown. Affected: yes.
Comment: This variant was determined to be of uncertain significance according to ACMG Guidelines, 2015 [PMID:25741868].